The following is an entry in ClinVar:

NM_000501.4(ELN):c.1324C>G (p.Gln442Glu)

Gene: ELN (elastin; plus strand). Cytogenetic location: 7q11.23.
Variant type: single nucleotide variant.
Coding change: c.1324C>G on transcript NM_000501.4 (MANE Select); coding-DNA position 1324, C replaced by G.
Protein change: p.Gln442Glu; replaces glutamine 442 with glutamic acid.
Molecular consequence: missense variant.
Genome position (GRCh38, 1-based): chr7:74,056,680, C>G. VCF-style: chr7-74056680-C-G. GRCh37 (hg19) VCF-style: chr7-73471010-C-G.
Other names: c.1294C>G, p.Gln432Glu (NM_001081752.3, NM_001278917.2); c.1339C>G, p.Gln447Glu (NM_001081753.3, NM_001081754.3); c.1324C>G, p.Gln442Glu (NM_001081755.3, NM_001278912.2, NM_001278915.2 and 1 more transcripts); c.1138C>G, p.Gln380Glu (NM_001278913.2); c.1309C>G, p.Gln437Glu (NM_001278914.2); c.1282C>G, p.Gln428Glu (NM_001278916.2); c.1114C>G, p.Gln372Glu (NM_001278918.2); short protein forms Q432E, Q372E, Q380E, Q442E, Q428E, Q437E, Q447E.
Identifiers: ClinVar variation 2713291 (VCV002713291.3), dbSNP rs137854452, ClinGen allele CA367881956.

ClinVar aggregate classification (germline): Uncertain significance (1 of 4 stars; one submission).

Conditions:
Supravalvar aortic stenosis (SVAS). Also called: Supravalvar aortic stenosis, Eisenberg type. Identifiers: Orphanet 3193, MedGen C0003499, MONDO:0008504, OMIM 185500, HP:0004381.

Allele frequency attached by ClinVar (database versions not stated): gnomAD exomes below 0.00001.
gnomAD v4.1: 1 of 1,613,868 alleles (0.000062%); highest among the groups gnomAD compares: Non-Finnish European, 0.000085%; no homozygotes.

Submission:

Labcorp Genetics (formerly Invitae), Labcorp
Classification: Uncertain significance for Supravalvar aortic stenosis. Last evaluated: 2024-07-13. Review status: criteria provided, single submitter. Criteria: Invitae Variant Classification Sherloc (09022015). Collection method: clinical testing. Allele origin: germline.
Comment: This sequence change replaces glutamine, which is neutral and polar, with glutamic acid, which is acidic and polar, at codon 442 of the ELN protein (p.Gln442Glu). This variant is not present in population databases (gnomAD no frequency). This variant has not been reported in the literature in individuals affected with ELN-related conditions. Advanced modeling of protein sequence and biophysical properties (such as structural, functional, and spatial information, amino acid conservation, physicochemical variation, residue mobility, and thermodynamic stability) performed at Invitae indicates that this missense variant is not expected to disrupt ELN protein function with a negative predictive value of 80%. In summary, the available evidence is currently insufficient to determine the role of this variant in disease. Therefore, it has been classified as a Variant of Uncertain Significance.